The following is an entry in ClinVar:

ClinVar aggregate classification (germline): Uncertain significance (1 of 4 stars; one submission).

Conditions:
Emery-Dreifuss muscular dystrophy 4, autosomal dominant (EDMD4). Also called: EMERY-DREIFUSS MUSCULAR DYSTROPHY 4 WITH VARIABLE FEATURES. Identifiers: Orphanet 261, MedGen C2751807, MONDO:0013071, OMIM 612998.
Autosomal recessive ataxia, Beauce type. Also called: SYNE1 Deficiency; Spinocerebellar ataxia, autosomal recessive 8; ATAXIA, RECESSIVE, OF BEAUCE; SYNE1-Related Autosomal Recessive Cerebellar Ataxia. Identifiers: Orphanet 88644, MedGen C1853116, MONDO:0012549, OMIM 610743.

Allele frequency attached by ClinVar (database versions not stated): TOPMed below 0.00001; gnomAD 0.00001.
gnomAD v4.1: 2 of 1,613,724 alleles (0.00012%); highest among the groups gnomAD compares: Admixed American, 0.0017%; no homozygotes.

Submission:

Labcorp Genetics (formerly Invitae), Labcorp
Classification: Uncertain significance for Emery-Dreifuss muscular dystrophy 4, autosomal dominant; Autosomal recessive ataxia, Beauce type. Last evaluated: 2022-08-15. Review status: criteria provided, single submitter. Criteria: Invitae Variant Classification Sherloc (09022015). Collection method: clinical testing. Allele origin: germline.
Comment: In summary, the available evidence is currently insufficient to determine the role of this variant in disease. Therefore, it has been classified as a Variant of Uncertain Significance. Algorithms developed to predict the effect of missense changes on protein structure and function are either unavailable or do not agree on the potential impact of this missense change (SIFT: "Deleterious"; PolyPhen-2: "Benign"; Align-GVGD: "Class C0"). This variant has not been reported in the literature in individuals affected with SYNE1-related conditions. This variant is not present in population databases (gnomAD no frequency). This sequence change replaces threonine, which is neutral and polar, with isoleucine, which is neutral and non-polar, at codon 400 of the SYNE1 protein (p.Thr400Ile).

NM_182961.4(SYNE1):c.1178C>T (p.Thr393Ile)

Gene: SYNE1 (spectrin repeat containing nuclear envelope protein 1; minus strand). Cytogenetic location: 6q25.2.
Variant type: single nucleotide variant.
Coding change: c.1178C>T on transcript NM_182961.4 (MANE Select); coding-DNA position 1178, C replaced by T.
Protein change: p.Thr393Ile; replaces threonine 393 with isoleucine.
Molecular consequence: missense variant.
Genome position (GRCh38, 1-based): chr6:152,484,842, G>A on the plus strand (C>T on the coding strand, the complement: SYNE1 is on the minus strand). VCF-style: chr6-152484842-G-A. GRCh37 (hg19) VCF-style: chr6-152805977-G-A.
Other names: c.1199C>T, p.Thr400Ile (NM_033071.5); short protein forms T393I, T400I.
Identifiers: ClinVar variation 2057654 (VCV002057654.4), dbSNP rs1367008104, ClinGen allele CA366141377.